The following is an entry in ClinVar:

ClinVar aggregate classification (germline): Uncertain significance (1 of 4 stars; one submission).

gnomAD v4.1: 2 of 1,613,070 alleles (0.00012%); highest among the groups gnomAD compares: African/African-American, 0.0013%; no homozygotes.

Submission:

Labcorp Genetics (formerly Invitae), Labcorp
Classification: Uncertain significance. Last evaluated: 2024-02-29. Review status: criteria provided, single submitter. Criteria: Invitae Variant Classification Sherloc (09022015). Collection method: clinical testing. Allele origin: germline.
Comment: This sequence change replaces glycine, which is neutral and non-polar, with glutamic acid, which is acidic and polar, at codon 543 of the C2 protein (p.Gly543Glu). This variant is not present in population databases (gnomAD no frequency). This variant has not been reported in the literature in individuals affected with C2-related conditions. Advanced modeling of protein sequence and biophysical properties (such as structural, functional, and spatial information, amino acid conservation, physicochemical variation, residue mobility, and thermodynamic stability) performed at Invitae indicates that this missense variant is not expected to disrupt C2 protein function with a negative predictive value of 80%. In summary, the available evidence is currently insufficient to determine the role of this variant in disease. Therefore, it has been classified as a Variant of Uncertain Significance.

NM_000063.6(C2):c.1628G>A (p.Gly543Glu)

Gene: C2 (complement C2; plus strand). Cytogenetic location: 6p21.33.
Variant type: single nucleotide variant.
Coding change: c.1628G>A on transcript NM_000063.6 (MANE Select); coding-DNA position 1628, G replaced by A.
Protein change: p.Gly543Glu; replaces glycine 543 with glutamic acid.
Molecular consequence: missense variant.
Genome position (GRCh38, 1-based): chr6:31,943,704, G>A. VCF-style: chr6-31943704-G-A. GRCh37 (hg19) VCF-style: chr6-31911481-G-A.
Other names: c.1232G>A, p.Gly411Glu (NM_001145903.3); c.986G>A, p.Gly329Glu (NM_001178063.3); c.890G>A, p.Gly297Glu (NM_001282457.2); c.1541G>A, p.Gly514Glu (NM_001282458.2); short protein forms G543E, G329E, G514E, G297E, G411E.
Identifiers: ClinVar variation 2755157 (VCV002755157.3), dbSNP rs1448915190, ClinGen allele CA363378924.